The following is an entry in ClinVar:

ClinVar aggregate classification (germline): Pathogenic (1 of 4 stars; one submission).

Conditions:
Ataxia-telangiectasia syndrome (AT). Also called: ATAXIA-TELANGIECTASIA, COMPLEMENTATION GROUP A; ATAXIA-TELANGIECTASIA, FRESNO VARIANT; Ataxia-telangiectasia, complementation group E; Ataxia telangiectasia (A-T); LOUIS-BAR SYNDROME; Cerebello-oculocutaneous telangiectasia. Identifiers: Orphanet 100, MedGen C0004135, MONDO:0008840, OMIM 208900.

Submission:

Labcorp Genetics (formerly Invitae), Labcorp
Classification: Pathogenic for Ataxia-telangiectasia syndrome. Last evaluated: 2020-06-22. Review status: criteria provided, single submitter. Criteria: Invitae Variant Classification Sherloc (09022015). Collection method: clinical testing. Allele origin: germline.
Comment: For these reasons, this variant has been classified as Pathogenic. This gross deletion eliminates the last 1,165 amino acid residues of the ATM protein, including the FAT, PI3/4 kinase, and FATC or PIK-related kinase domains, which are crucial for the proper function of the ATM protein (PMID: 23532176, 25460276, 19781682). In addition, a deletion encompassing exons 62-63 and the 3' UTR of ATM has been reported in individuals with ataxia-telangiectasia, and determined to be pathogenic (PMID: 9443866, 25614872). While this particular variant has not been reported in the literature, gross deletions and loss-of-function variants in ATM are known to be pathogenic (PMID: 25614872, 23807571). This variant is a gross deletion of the genomic region encompassing exons 38-63 of the ATM gene. The 5' boundary is likely confined to intron 37. The 3' end of this event is unknown as it extends through the termination codon beyond the assayed region for this gene and may encompass additional genes. While this deletion may not result in nonsense mediated decay, it is expected to create a truncated protein product or disrupt mRNA translation.

Literature cited by the submitters: PubMed 23532176; PubMed 25460276; PubMed 19781682; PubMed 9443866; PubMed 25614872; PubMed 23807571.

NC_000011.10:g.(?_108307887)_(108365508_?)del

Gene: ATM (ATM serine/threonine kinase; plus strand). Cytogenetic location: 11q22.3.
Variant type: Deletion.
Identifiers: ClinVar variation 830614 (VCV000830614.7).